The following is an entry in ClinVar:

ClinVar aggregate classification (germline): Uncertain significance. Review status: criteria provided, multiple submitters, no conflicts (2 of 4 stars). 2 submissions from 2 submitters: Uncertain significance (2). Last evaluated 2025-11-03.

Conditions:
Inborn genetic diseases. Identifiers: MedGen C0950123, MeSH D030342.

gnomAD v4.1: 3 of 1,613,184 alleles (0.00019%); highest among the groups gnomAD compares: Admixed American, 0.0033%; no homozygotes.

Submissions (2):

Ambry Genetics
Classification: Uncertain significance for Inborn genetic diseases. Last evaluated: 2025-11-03. Review status: criteria provided, single submitter. Criteria: Ambry Variant Classification Scheme 2023. Collection method: clinical testing. Allele origin: germline.

Labcorp Genetics (formerly Invitae), Labcorp
Classification: Uncertain significance. Last evaluated: 2022-03-09. Review status: criteria provided, single submitter. Criteria: Invitae Variant Classification Sherloc (09022015). Collection method: clinical testing. Allele origin: germline.
Comment: This sequence change replaces valine, which is neutral and non-polar, with leucine, which is neutral and non-polar, at codon 1736 of the TUBGCP6 protein (p.Val1736Leu). This variant is present in population databases (no rsID available, gnomAD 0.003%). This variant has not been reported in the literature in individuals affected with TUBGCP6-related conditions. Algorithms developed to predict the effect of missense changes on protein structure and function (SIFT, PolyPhen-2, Align-GVGD) all suggest that this variant is likely to be tolerated. In summary, the available evidence is currently insufficient to determine the role of this variant in disease. Therefore, it has been classified as a Variant of Uncertain Significance.

NM_020461.4(TUBGCP6):c.5206G>C (p.Val1736Leu)

Gene: TUBGCP6 (tubulin gamma complex component 6; minus strand). Cytogenetic location: 22q13.33.
Variant type: single nucleotide variant.
Coding change: c.5206G>C on transcript NM_020461.4 (MANE Select); coding-DNA position 5206, G replaced by C.
Protein change: p.Val1736Leu; replaces valine 1736 with leucine.
Molecular consequence: missense variant.
Genome position (GRCh38, 1-based): chr22:50,218,080, C>G on the plus strand (G>C on the coding strand, the complement: TUBGCP6 is on the minus strand). VCF-style: chr22-50218080-C-G. GRCh37 (hg19) VCF-style: chr22-50656509-C-G.
Other names: c.5206G>C (NM_020461.3); short protein forms V1736L.
Identifiers: ClinVar variation 1480097 (VCV001480097.4), dbSNP rs762939715, ClinGen allele CA412163375.